The following is an entry in ClinVar:

ClinVar aggregate classification (germline): Uncertain significance. Review status: criteria provided, multiple submitters, no conflicts (2 of 4 stars). 3 submissions from 3 submitters: Uncertain significance (3). Last evaluated 2023-06-28.

Conditions:
Wilson disease (WND). Also called: Wilson's disease. Identifiers: Orphanet 905, MedGen C0019202, MONDO:0010200, OMIM 277900. Disease mechanism: loss of function.

Allele frequency attached by ClinVar (database versions not stated): gnomAD exomes below 0.00001.

Submissions (3):

All of Us Research Program, National Institutes of Health
Classification: Uncertain significance for Wilson disease. Last evaluated: 2023-06-28. Review status: criteria provided, single submitter. Criteria: ACMG Guidelines, 2015. Collection method: clinical testing. Allele origin: germline. Inheritance: Autosomal recessive inheritance. Observed: 2 variant alleles, 2 heterozygotes.
Comment: This missense variant replaces glycine with serine at codon 43 of the ATP7B protein. Computational prediction is inconclusive regarding the impact of this variant on protein structure and function (internally defined REVEL score threshold 0.5 < inconclusive < 0.7, PMID: 27666373). To our knowledge, functional studies have not been reported for this variant. This variant has not been reported in individuals affected with ATP7B-related disorders in the literature. This variant has been identified in 1/249456 chromosomes in the general population by the Genome Aggregation Database (gnomAD). The available evidence is insufficient to determine the role of this variant in disease conclusively. Therefore, this variant is classified as a Variant of Uncertain Significance.

This study involves interpretation of variants in research participants for the purpose of population health screening. Participant phenotype was not available at the time of variant classification. Additional details can be found in publication PMID: 35346344, PMCID: PMC8962531

Color Diagnostics, LLC DBA Color Health
Classification: Uncertain significance for Wilson disease. Last evaluated: 2023-02-21. Review status: criteria provided, single submitter. Criteria: ACMG Guidelines, 2015. Collection method: clinical testing. Allele origin: germline.
Comment: This missense variant replaces glycine with serine at codon 43 of the ATP7B protein. Computational prediction is inconclusive regarding the impact of this variant on protein structure and function. To our knowledge, functional studies have not been reported for this variant. This variant has not been reported in individuals affected with ATP7B-related disorders in the literature. This variant has been identified in 1/249456 chromosomes in the general population by the Genome Aggregation Database (gnomAD). The available evidence is insufficient to determine the role of this variant in disease conclusively. Therefore, this variant is classified as a Variant of Uncertain Significance.

Labcorp Genetics (formerly Invitae), Labcorp
Classification: Uncertain significance for Wilson disease. Last evaluated: 2022-08-05. Review status: criteria provided, single submitter. Criteria: Invitae Variant Classification Sherloc (09022015). Collection method: clinical testing. Allele origin: germline.
Comment: This sequence change replaces glycine, which is neutral and non-polar, with serine, which is neutral and polar, at codon 43 of the ATP7B protein (p.Gly43Ser). This variant is present in population databases (no rsID available, gnomAD 0.0009%). This variant has not been reported in the literature in individuals affected with ATP7B-related conditions. ClinVar contains an entry for this variant (Variation ID: 1477351). Algorithms developed to predict the effect of missense changes on protein structure and function are either unavailable or do not agree on the potential impact of this missense change (SIFT: "Deleterious"; PolyPhen-2: "Possibly Damaging"; Align-GVGD: "Class C0"). Algorithms developed to predict the effect of sequence changes on RNA splicing suggest that this variant may create or strengthen a splice site. In summary, the available evidence is currently insufficient to determine the role of this variant in disease. Therefore, it has been classified as a Variant of Uncertain Significance.

NM_000053.4(ATP7B):c.127G>A (p.Gly43Ser)

Gene: ATP7B (ATPase copper transporting beta; minus strand). Cytogenetic location: 13q14.3.
Variant type: single nucleotide variant.
Coding change: c.127G>A on transcript NM_000053.4 (MANE Select); coding-DNA position 127, G replaced by A.
Protein change: p.Gly43Ser; replaces glycine 43 with serine.
Molecular consequence: missense variant.
Genome position (GRCh38, 1-based): chr13:51,975,093, C>T on the plus strand (G>A on the coding strand, the complement: ATP7B is on the minus strand). VCF-style: chr13-51975093-C-T. GRCh37 (hg19) VCF-style: chr13-52549229-C-T.
Other names: c.127G>A, p.Gly43Ser (NM_001005918.3, NM_001243182.2, NM_001330578.2 and 1 more transcripts); short protein forms G43S.
Identifiers: ClinVar variation 1477351 (VCV001477351.5), dbSNP rs1255787917, ClinGen allele CA388045274.